The following is an entry in ClinVar:

ClinVar aggregate classification (germline): Uncertain significance (1 of 4 stars; one submission).

Conditions:
Developmental and epileptic encephalopathy, 16 (DEE16). Also called: TBC1D24-Related Developmental and Epileptic Encephalopathy (DEE); Early infantile epileptic encephalopathy 16. Identifiers: Orphanet 293181, Orphanet 352596, MedGen C3809173, MONDO:0014133, OMIM 615338.

Submission:

3billion
Classification: Uncertain significance for Developmental and epileptic encephalopathy, 16. Last evaluated: 2022-01-03. Review status: criteria provided, single submitter. Criteria: ACMG Guidelines, 2015. Collection method: clinical testing. Allele origin: germline. Affected: yes. Observed: 1 heterozygote.
Comment: A different missense change at the same codon has been reported to be associated with TBC1D24 related disorder (ClinVar ID: VCV000207505, PMID:29100083, PM5_P). It is not observed in the gnomAD v2.1.1 dataset (PM2_M). A missense variant is a common mechanism associated with Epileptic encephalopathy (PP2_P). Therefore, this variant is classified as uncertain significance according to the recommendation of ACMG/AMP guideline.

Literature cited by the submitters: PubMed 29100083.

NM_001199107.2(TBC1D24):c.844C>T (p.Pro282Ser)

Gene: TBC1D24 (TBC1 domain family member 24; plus strand). Cytogenetic location: 16p13.3.
Variant type: single nucleotide variant.
Coding change: c.844C>T on transcript NM_001199107.2 (MANE Select); coding-DNA position 844, C replaced by T.
Protein change: p.Pro282Ser; replaces proline 282 with serine.
Molecular consequence: missense variant.
Genome position (GRCh38, 1-based): chr16:2,496,992, C>T. VCF-style: chr16-2496992-C-T. GRCh37 (hg19) VCF-style: chr16-2546993-C-T.
Other names: c.844C>T, p.Pro282Ser (NM_020705.3); short protein forms P282S.
Identifiers: ClinVar variation 1333213 (VCV001333213.1), dbSNP rs865893281, ClinGen allele CA276809638.
Genomic context (GRCh38, chr16:2,496,992, plus strand): 5'-TCGGACAGCGTGAAGCAGGACATCCGCACGTTCGTCAGAGACATCGCGAAGACGGTGTCC[C>T]CTGAGAAGCTGCTGGAGAAAGCGTTCGCCATCCGCCTCTTCTCCCGCAAGGAGATCCAGC-3'
Protein context (NP_001186036.1, residues 272-292): FVRDIAKTVS[Pro282Ser]EKLLEKAFAI